The following is an entry in ClinVar:

NM_025137.4(SPG11):c.6360C>T (p.Ile2120=)

Gene: SPG11 (SPG11 vesicle trafficking associated, spatacsin; minus strand). Cytogenetic location: 15q21.1.
Variant type: single nucleotide variant.
Coding change: c.6360C>T on transcript NM_025137.4 (MANE Select); coding-DNA position 6360, C replaced by T.
Protein change: p.Ile2120=; no amino-acid change (isoleucine 2120 retained).
Molecular consequence: synonymous variant.
Genome position (GRCh38, 1-based): chr15:44,570,642, G>A on the plus strand (C>T on the coding strand, the complement: SPG11 is on the minus strand). VCF-style: chr15-44570642-G-A. GRCh37 (hg19) VCF-style: chr15-44862840-G-A.
Other names: c.6021C>T, p.Ile2007= (NM_001160227.2).
Identifiers: ClinVar variation 466555 (VCV000466555.15), dbSNP rs368605117, ClinGen allele CA7534151.

ClinVar aggregate classification (germline): Likely benign. Review status: criteria provided, multiple submitters, no conflicts (2 of 4 stars). 3 submissions from 3 submitters: Likely benign (3). Last evaluated 2025-05-07.

Conditions:
SPG11-related disorder. Also called: SPG11-related condition.
Inborn genetic diseases. Identifiers: MedGen C0950123, MeSH D030342.
Hereditary spastic paraplegia 11. Also called: Spastic paraplegia, mental retardation and thin corpus callosum; SPASTIC PARAPLEGIA, AUTOSOMAL RECESSIVE, COMPLICATED, WITH THIN CORPUS CALLOSUM; SPASTIC PARAPLEGIA, AUTOSOMAL RECESSIVE, WITH MENTAL IMPAIRMENT AND THIN CORPUS CALLOSUM; Spastic Paraplegia 11; Nakamura Osame syndrome; Autosomal recessive hereditary spastic paraplegia, mental impairment, and thin corpus callosum. Identifiers: Orphanet 2822, MedGen C1858479, MONDO:0011445, OMIM 604360.

Allele frequency attached by ClinVar (database versions not stated): gnomAD exomes 0.00004 and 0.00010; ExAC 0.00013; ESP Exome Variant Server 0.00023; gnomAD 0.00039 and 0.00042; 1000 Genomes Project 0.00040; TOPMed 0.00042; 1000 Genomes Project 30x 0.00047.
gnomAD v4.1: 125 of 1,614,060 alleles (0.0077%); highest among the groups gnomAD compares: African/African-American, 0.16%; no homozygotes.

Submissions (3):

Labcorp Genetics (formerly Invitae), Labcorp
Classification: Likely benign for Hereditary spastic paraplegia 11. Last evaluated: 2025-05-07. Review status: criteria provided, single submitter. Criteria: Invitae Variant Classification Sherloc (09022015). Collection method: clinical testing. Allele origin: germline.

PreventionGenetics, part of Exact Sciences
Classification: Likely benign for SPG11-related condition. Last evaluated: 2025-04-27. Review status: criteria provided, single submitter. Criteria: ACMG Guidelines, 2015. Collection method: clinical testing. Allele origin: germline.
Comment: This variant is classified as likely benign based on ACMG/AMP sequence variant interpretation guidelines (Richards et al. 2015 PMID: 25741868, with internal and published modifications).

Ambry Genetics
Classification: Likely benign for Inborn genetic diseases. Last evaluated: 2019-07-11. Review status: criteria provided, single submitter. Criteria: Ambry Variant Classification Scheme 2023. Collection method: clinical testing. Allele origin: germline.